The following is an entry in ClinVar:

NM_000362.5(TIMP3):c.534G>T (p.Gln178His)

Genes: SYN3 (synapsin III; minus strand), TIMP3 (TIMP metallopeptidase inhibitor 3; plus strand). Cytogenetic location: 22q12.3.
Variant type: single nucleotide variant.
Coding change: c.534G>T on transcript NM_000362.5 (MANE Select); coding-DNA position 534, G replaced by T.
Protein change: p.Gln178His; replaces glutamine 178 with histidine.
Molecular consequence: missense variant. On other transcripts: intron variant (7).
Genome position (GRCh38, 1-based): chr22:32,859,275, G>T. VCF-style: chr22-32859275-G-T. GRCh37 (hg19) VCF-style: chr22-33255262-G-T.
Other names: c.711+5640C>A (NM_001369908.1, NM_133633.3, NM_001369907.1 and 1 more transcripts); c.708+5640C>A (NM_001369910.1, NM_001369909.1, NM_001135774.2); short protein forms Q178H.
Identifiers: ClinVar variation 2751268 (VCV002751268.3), dbSNP rs2545900594, ClinGen allele CA411540339.

ClinVar aggregate classification (germline): Uncertain significance (1 of 4 stars; one submission).

Submission:

Labcorp Genetics (formerly Invitae), Labcorp
Classification: Uncertain significance. Last evaluated: 2023-11-27. Review status: criteria provided, single submitter. Criteria: Invitae Variant Classification Sherloc (09022015). Collection method: clinical testing. Allele origin: germline.
Comment: This sequence change replaces glutamine, which is neutral and polar, with histidine, which is basic and polar, at codon 178 of the TIMP3 protein (p.Gln178His). This variant is not present in population databases (gnomAD no frequency). This variant has not been reported in the literature in individuals affected with TIMP3-related conditions. An algorithm developed to predict the effect of missense changes on protein structure and function (PolyPhen-2) suggests that this variant is likely to be disruptive. In summary, the available evidence is currently insufficient to determine the role of this variant in disease. Therefore, it has been classified as a Variant of Uncertain Significance.